The following is an entry in ClinVar:

NM_000038.6(APC):c.3149C>T (p.Ala1050Val)

Gene: APC (APC regulator of Wnt signaling pathway; plus strand). Cytogenetic location: 5q22.2.
Variant type: single nucleotide variant.
Coding change: c.3149C>T on transcript NM_000038.6 (MANE Select); coding-DNA position 3149, C replaced by T.
Protein change: p.Ala1050Val; replaces alanine 1050 with valine.
Molecular consequence: missense variant. On other transcripts: non-coding transcript variant (2).
Genome position (GRCh38, 1-based): chr5:112,838,743, C>T. VCF-style: chr5-112838743-C-T. GRCh37 (hg19) VCF-style: chr5-112174440-C-T.
Other names: c.3149C>T, p.Ala1050Val (NM_001127510.3, NM_001354895.2, NM_001407450.1); c.3095C>T, p.Ala1032Val (NM_001127511.3); c.3203C>T, p.Ala1068Val (NM_001354896.2, NM_001407447.1, NM_001407448.1 and 1 more transcripts); c.3179C>T, p.Ala1060Val (NM_001354897.2); c.3074C>T, p.Ala1025Val (NM_001354898.2); c.3065C>T, p.Ala1022Val (NM_001354899.2); c.3026C>T, p.Ala1009Val (NM_001354900.2); c.2972C>T, p.Ala991Val (NM_001354901.2, NM_001407453.1); and 11 more; short protein forms A1032V, A1050V, A924V, A967V, A1009V, A1068V, A949V, A1043V.
Identifiers: ClinVar variation 2738494 (VCV002738494.3), dbSNP rs753145833, ClinGen allele CA16028235.
Genomic context (GRCh38, chr5:112,838,743, plus strand): 5'-AATATTCAGATGAGCAGTTGAACTCTGGAAGGCAAAGTCCTTCACAGAATGAAAGATGGG[C>T]AAGACCCAAACACATAATAGAAGATGAAATAAAACAAAGTGAGCAAAGACAATCAAGGAA-3'
Protein context (NP_000029.2, residues 1040-1060): RQSPSQNERW[Ala1050Val]RPKHIIEDEI

ClinVar aggregate classification (germline): Uncertain significance (1 of 4 stars; one submission).

Conditions:
Familial adenomatous polyposis 1 (FAP1). Also called: FAMILIAL ADENOMATOUS POLYPOSIS 1, ATTENUATED; POLYPOSIS, ADENOMATOUS INTESTINAL. Identifiers: MedGen C2713442, MONDO:0021056, OMIM 175100. Disease mechanism: loss of function.

Submission:

Labcorp Genetics (formerly Invitae), Labcorp
Classification: Uncertain significance for Familial adenomatous polyposis 1. Last evaluated: 2023-07-08. Review status: criteria provided, single submitter. Criteria: Invitae Variant Classification Sherloc (09022015). Collection method: clinical testing. Allele origin: germline.
Comment: Advanced modeling of protein sequence and biophysical properties (such as structural, functional, and spatial information, amino acid conservation, physicochemical variation, residue mobility, and thermodynamic stability) performed at Invitae indicates that this missense variant is not expected to disrupt APC protein function. In summary, the available evidence is currently insufficient to determine the role of this variant in disease. Therefore, it has been classified as a Variant of Uncertain Significance. This variant has not been reported in the literature in individuals affected with APC-related conditions. This variant is not present in population databases (gnomAD no frequency). This sequence change replaces alanine, which is neutral and non-polar, with valine, which is neutral and non-polar, at codon 1050 of the APC protein (p.Ala1050Val).